The following is an entry in ClinVar:

ClinVar aggregate classification (germline): Uncertain significance. Review status: criteria provided, multiple submitters, no conflicts (2 of 4 stars). 2 submissions from 2 submitters: Uncertain significance (2). Last evaluated 2025-12-22.

Conditions:
Hereditary cancer-predisposing syndrome. Also called: Hereditary neoplastic syndrome; Neoplastic Syndromes, Hereditary; Tumor predisposition; Hereditary Cancer Syndrome. Identifiers: Orphanet 140162, MedGen C0027672, MeSH D009386, MONDO:0015356.
Familial meningioma. Also called: Meningioma, familial, susceptibility to. Identifiers: Orphanet 263662, MedGen C3551915, MONDO:0011789, OMIM 607174.

Submissions (2):

Ambry Genetics
Classification: Uncertain significance for Hereditary cancer-predisposing syndrome. Last evaluated: 2025-12-22. Review status: criteria provided, single submitter. Criteria: Ambry Variant Classification Scheme 2023. Collection method: clinical testing. Allele origin: germline.
Comment: The p.R257S variant (also known as c.771G>C), located in coding exon 8 of the SMARCE1 gene, results from a G to C substitution at nucleotide position 771. The arginine at codon 257 is replaced by serine, an amino acid with dissimilar properties. This amino acid position is conserved. In addition, this alteration is predicted to be deleterious by in silico analysis. Based on the available evidence, the clinical significance of this variant remains unclear.

Labcorp Genetics (formerly Invitae), Labcorp
Classification: Uncertain significance for Familial meningioma. Last evaluated: 2022-04-13. Review status: criteria provided, single submitter. Criteria: Invitae Variant Classification Sherloc (09022015). Collection method: clinical testing. Allele origin: germline.
Comment: In summary, the available evidence is currently insufficient to determine the role of this variant in disease. Therefore, it has been classified as a Variant of Uncertain Significance. Algorithms developed to predict the effect of missense changes on protein structure and function are either unavailable or do not agree on the potential impact of this missense change (SIFT: "Deleterious"; PolyPhen-2: "Benign"; Align-GVGD: "Class C15"). This variant has not been reported in the literature in individuals affected with SMARCE1-related conditions. This variant is present in population databases (no rsID available, gnomAD 0.005%). This sequence change replaces arginine, which is basic and polar, with serine, which is neutral and polar, at codon 257 of the SMARCE1 protein (p.Arg257Ser).

NM_003079.5(SMARCE1):c.771G>C (p.Arg257Ser)

Gene: SMARCE1 (SWI/SNF related BAF chromatin remodeling complex subunit E1; minus strand). Cytogenetic location: 17q21.2.
Variant type: single nucleotide variant.
Coding change: c.771G>C on transcript NM_003079.5 (MANE Select); coding-DNA position 771, G replaced by C.
Protein change: p.Arg257Ser; replaces arginine 257 with serine.
Molecular consequence: missense variant.
Genome position (GRCh38, 1-based): chr17:40,631,637, C>G on the plus strand (G>C on the coding strand, the complement: SMARCE1 is on the minus strand). VCF-style: chr17-40631637-C-G. GRCh37 (hg19) VCF-style: chr17-38787889-C-G.
Other names: short protein forms R257S.
Identifiers: ClinVar variation 2125889 (VCV002125889.5), dbSNP rs1196782569, ClinGen allele CA399364360.
Genomic context (GRCh38, chr17:40,631,637, plus strand): 5'-ATATTAAACAGATACCCTTTTAAGTTCATTGTTAAATGAATCTGTGCTTTCCAGGAATTT[C>G]CTCTTCTTCTCCTGGTGTCGTTCCTCTATTTGAAGAAGTTCAGCTTCTAGTTTTCGCTGC-3'
Protein context (NP_003070.3, residues 247-267): QIEERHQEKK[Arg257Ser]KFLESTDSFN